The following is an entry in ClinVar:

ClinVar aggregate classification (germline): Uncertain significance (1 of 4 stars; one submission).

Conditions:
Sclerosteosis 2 (SOST2). Identifiers: Orphanet 3152, MedGen C3280402, MONDO:0013679, OMIM 614305.
Cenani-Lenz syndactyly syndrome. Also called: CENANI SYNDACTYLISM; SYNDACTYLY, TYPE VII. Identifiers: Orphanet 3258, MedGen C1859309, MONDO:0008931, OMIM 212780.
Congenital myasthenic syndrome 17. Identifiers: Orphanet 590, MedGen C4225377, MONDO:0014578, OMIM 616304.

Allele frequency attached by ClinVar (database versions not stated): gnomAD exomes 0.00001 and below 0.00001; ExAC 0.00002; TOPMed below 0.00001; gnomAD 0.00001.
gnomAD v4.1: 5 of 1,614,062 alleles (0.00031%); highest among the groups gnomAD compares: Admixed American, 0.0017%; no homozygotes.

Submission:

Labcorp Genetics (formerly Invitae), Labcorp
Classification: Uncertain significance for Cenani-Lenz syndactyly syndrome; Sclerosteosis 2; Congenital myasthenic syndrome 17. Last evaluated: 2022-10-13. Review status: criteria provided, single submitter. Criteria: Invitae Variant Classification Sherloc (09022015). Collection method: clinical testing. Allele origin: germline.
Comment: This sequence change replaces isoleucine, which is neutral and non-polar, with threonine, which is neutral and polar, at codon 325 of the LRP4 protein (p.Ile325Thr). This variant is present in population databases (rs753709386, gnomAD 0.003%). This variant has not been reported in the literature in individuals affected with LRP4-related conditions. ClinVar contains an entry for this variant (Variation ID: 641537). Advanced modeling of protein sequence and biophysical properties (such as structural, functional, and spatial information, amino acid conservation, physicochemical variation, residue mobility, and thermodynamic stability) performed at Invitae indicates that this missense variant is expected to disrupt LRP4 protein function. In summary, the available evidence is currently insufficient to determine the role of this variant in disease. Therefore, it has been classified as a Variant of Uncertain Significance.

NM_002334.4(LRP4):c.974T>C (p.Ile325Thr)

Gene: LRP4 (LDL receptor related protein 4; minus strand). Cytogenetic location: 11p11.2.
Variant type: single nucleotide variant.
Coding change: c.974T>C on transcript NM_002334.4 (MANE Select); coding-DNA position 974, T replaced by C.
Protein change: p.Ile325Thr; replaces isoleucine 325 with threonine.
Molecular consequence: missense variant.
Genome position (GRCh38, 1-based): chr11:46,896,284, A>G on the plus strand (T>C on the coding strand, the complement: LRP4 is on the minus strand). VCF-style: chr11-46896284-A-G. GRCh37 (hg19) VCF-style: chr11-46917835-A-G.
Other names: short protein forms I325T.
Identifiers: ClinVar variation 641537 (VCV000641537.8), dbSNP rs753709386, ClinGen allele CA5970309.